The following is an entry in ClinVar:

NM_001136472.2(LITAF):c.457G>A (p.Ala153Thr)

Gene: LITAF (lipopolysaccharide induced TNF factor; minus strand). Cytogenetic location: 16p13.13.
Variant type: single nucleotide variant.
Coding change: c.457G>A on transcript NM_001136472.2 (MANE Select); coding-DNA position 457, G replaced by A.
Protein change: p.Ala153Thr; replaces alanine 153 with threonine.
Molecular consequence: missense variant. On other transcripts: 3 prime UTR variant (1), non-coding transcript variant (1).
Genome position (GRCh38, 1-based): chr16:11,549,666, C>T on the plus strand (G>A on the coding strand, the complement: LITAF is on the minus strand). VCF-style: chr16-11549666-C-T. GRCh37 (hg19) VCF-style: chr16-11643522-C-T.
Other names: c.*96G>A (NM_001136473.1); c.457G>A, p.Ala153Thr (NM_004862.4); short protein forms A153T.
Identifiers: ClinVar variation 404112 (VCV000404112.10), dbSNP rs543022814, ClinGen allele CA7904015.

ClinVar aggregate classification (germline): Uncertain significance. Review status: criteria provided, multiple submitters, no conflicts (2 of 4 stars). 3 submissions from 3 submitters: Uncertain significance (3). Last evaluated 2021-09-01.

Conditions:
Charcot-Marie-Tooth disease type 1C. Also called: Charcot-Marie-Tooth disease, type IC; CHARCOT-MARIE-TOOTH DISEASE, DEMYELINATING, TYPE 1C; CMT, SLOW NERVE CONDUCTION TYPE C; HMSN IC; CHARCOT-MARIE-TOOTH NEUROPATHY, TYPE 1C; NEUROPATHY, HEREDITARY MOTOR AND SENSORY, TYPE IC. Identifiers: Orphanet 101083, MedGen C0270913, MONDO:0010995, OMIM 601098.

Allele frequency attached by ClinVar (database versions not stated): TOPMed 0.00001; gnomAD exomes 0.00002 and 0.00003; gnomAD 0.00003; ExAC 0.00004; 1000 Genomes Project 30x 0.00016; 1000 Genomes Project 0.00020.

Submissions (3):

Labcorp Genetics (formerly Invitae), Labcorp
Classification: Uncertain significance for Charcot-Marie-Tooth disease type 1C. Last evaluated: 2021-09-01. Review status: criteria provided, single submitter. Criteria: Invitae Variant Classification Sherloc (09022015). Collection method: clinical testing. Allele origin: germline.
Comment: This sequence change replaces alanine with threonine at codon 153 of the LITAF protein (p.Ala153Thr). The alanine residue is weakly conserved and there is a small physicochemical difference between alanine and threonine. This variant is present in population databases (rs543022814, ExAC 0.03%). This variant has not been reported in the literature in individuals affected with LITAF-related conditions. Algorithms developed to predict the effect of missense changes on protein structure and function (SIFT, PolyPhen-2, Align-GVGD) all suggest that this variant is likely to be tolerated. In summary, the available evidence is currently insufficient to determine the role of this variant in disease. Therefore, it has been classified as a Variant of Uncertain Significance.

Illumina Laboratory Services, Illumina
Classification: Uncertain significance for Charcot-Marie-Tooth disease type 1C. Last evaluated: 2018-01-13. Review status: criteria provided, single submitter. Criteria: ICSL Variant Classification Criteria 13 December 2019. Collection method: clinical testing. Allele origin: germline.

GeneDx
Classification: Uncertain significance. Last evaluated: 2017-03-27. Review status: criteria provided, single submitter. Criteria: GeneDx Variant Classification (06012015). Collection method: clinical testing. Allele origin: germline. Affected: yes.
Comment: A variant of uncertain significance has been identified in the LITAF gene. The A153T variant has not been published as a pathogenic variant, nor has it been reported as a benign variant to our knowledge. The A153T variant is observed in 4/14698 (0.03%) alleles from individuals of South Asian background (Lek et al., 2016; 1000 Genomes Consortium et al., 2015; Exome Variant Server). The A153T variant is a non-conservative amino acid substitution, which is likely to impact secondary protein structure as these residues differ in polarity, charge, size and/or other properties. This substitution occurs at a position that is conserved across species. However, in silico analysis is inconsistent in its predictions as to whether or not the variant is damaging to the protein structure/function. Therefore, based on the currently available information, it is unclear whether this variant is a pathogenic variant or a rare benign variant.